The following is an entry in ClinVar:

ClinVar aggregate classification (germline): Uncertain significance (1 of 4 stars; one submission).

Submission:

Labcorp Genetics (formerly Invitae), Labcorp
Classification: Uncertain significance. Last evaluated: 2023-05-05. Review status: criteria provided, single submitter. Criteria: Invitae Variant Classification Sherloc (09022015). Collection method: clinical testing. Allele origin: germline.
Comment: This sequence change replaces methionine, which is neutral and non-polar, with threonine, which is neutral and polar, at codon 793 of the DIP2C protein (p.Met793Thr). This variant is not present in population databases (gnomAD no frequency). In summary, the available evidence is currently insufficient to determine the role of this variant in disease. Therefore, it has been classified as a Variant of Uncertain Significance. An algorithm developed to predict the effect of missense changes on protein structure and function (PolyPhen-2) suggests that this variant is likely to be tolerated. This variant has not been reported in the literature in individuals affected with DIP2C-related conditions.

NM_014974.3(DIP2C):c.2378T>C (p.Met793Thr)

Genes: DIP2C (DIP2 acetate--CoA ligase C (putative); minus strand), LOC126860806 (MED14-independent group 3 enhancer GRCh37_chr10:409736-410935; plus strand). Cytogenetic location: 10p15.3.
Variant type: single nucleotide variant.
Coding change: c.2378T>C on transcript NM_014974.3 (MANE Select); coding-DNA position 2378, T replaced by C.
Protein change: p.Met793Thr; replaces methionine 793 with threonine.
Molecular consequence: missense variant.
Genome position (GRCh38, 1-based): chr10:364,473, A>G on the plus strand (T>C on the coding strand, the complement: DIP2C is on the minus strand). VCF-style: chr10-364473-A-G. GRCh37 (hg19) VCF-style: chr10-410413-A-G.
Other names: short protein forms M793T.
Identifiers: ClinVar variation 2802636 (VCV002802636.3), dbSNP rs2540664167, ClinGen allele CA375833492.